The following is an entry in ClinVar:

ClinVar aggregate classification (germline): Conflicting classifications of pathogenicity. Review status: criteria provided, conflicting classifications (1 of 4 stars). 4 submissions from 4 submitters: Uncertain significance (1); Benign (1); Likely benign (2). Last evaluated 2026-02-02.

Conditions:
Hereditary cancer-predisposing syndrome. Also called: Hereditary Cancer Syndrome; Tumor predisposition; Hereditary neoplastic syndrome; Neoplastic Syndromes, Hereditary. Identifiers: Orphanet 140162, MedGen C0027672, MeSH D009386, MONDO:0015356.
Baller-Gerold syndrome (BGS). Also called: CRANIOSYNOSTOSIS WITH RADIAL DEFECTS. Identifiers: Orphanet 1225, MedGen C0265308, MONDO:0009039, OMIM 218600.

Allele frequency attached by ClinVar (database versions not stated): ExAC below 0.00001; gnomAD exomes 0.00016; 1000 Genomes Project 0.00040; gnomAD 0.00060 and 0.00065; TOPMed 0.00065; 1000 Genomes Project 30x 0.00109.
gnomAD v4.1: 252 of 1,475,846 alleles (0.017%); highest among the groups gnomAD compares: African/African-American, 0.27%; 1 homozygote.

Submissions (4):

Labcorp Genetics (formerly Invitae), Labcorp
Classification: Benign for Baller-Gerold syndrome. Last evaluated: 2026-02-02. Review status: criteria provided, single submitter. Criteria: Invitae Variant Classification Sherloc (09022015). Collection method: clinical testing. Allele origin: germline.

Blueprint Genetics
Classification: Likely benign. Last evaluated: 2024-09-24. Review status: criteria provided, single submitter. Criteria: ACMG Guidelines, 2015. Collection method: clinical testing. Allele origin: germline.

Sema4
Classification: Uncertain significance for Hereditary cancer-predisposing syndrome. Last evaluated: 2021-07-23. Review status: criteria provided, single submitter. Criteria: Sema4 Curation Guidelines. Collection method: curation. Allele origin: germline.
Comment: The RECQL4 c.85-13G>T variant has not been reported in the literature to our knowledge. It was observed in 25/9558 chromosomes of the African/African American subpopulation, with no homozygotes, in the large and broad cohorts of the Genome Aggregation Database (PMID: 32461654). Splice site prediction tools suggest the variant may disrupt normal splicing, however these predictions have not been confirmed by published transcriptional studies. The variant has been reported in ClinVar (Variation ID 509056). The evidence is insufficient to meet ACMG/AMP criteria for classifying the variant as benign or pathogenic. Thus, the clinical significance of this variant is currently uncertain.

GeneDx
Classification: Likely benign. Last evaluated: 2020-05-26. Review status: criteria provided, single submitter. Criteria: GeneDx Variant Classification Process June 2021. Collection method: clinical testing. Allele origin: germline. Affected: yes.

NM_004260.4(RECQL4):c.85-13G>T

Genes: RECQL4 (RecQ like helicase 4; minus strand), LOC130001411 (ATAC-STARR-seq lymphoblastoid silent region 19699; plus strand). Cytogenetic location: 8q24.3.
Variant type: single nucleotide variant.
Coding change: c.85-13G>T on transcript NM_004260.4 (MANE Select); 13 bases into the intron before coding-DNA position 85, G replaced by T.
Molecular consequence: intron variant.
Genome position (GRCh38, 1-based): chr8:144,517,648, C>A on the plus strand (G>T on the coding strand, the complement: RECQL4 is on the minus strand). VCF-style: chr8-144517648-C-A. GRCh37 (hg19) VCF-style: chr8-145743032-C-A.
Identifiers: ClinVar variation 509056 (VCV000509056.12), dbSNP rs568000575, ClinGen allele CA4949505.